The following is an entry in ClinVar:

ClinVar aggregate classification (germline): Uncertain significance (1 of 4 stars; one submission).

Conditions:
Nemaline myopathy 2 (NEM2). Also called: Nemaline myopathy 2, autosomal recessive. Identifiers: MedGen C1850569, MONDO:0009725, OMIM 256030.

Submission:

Labcorp Genetics (formerly Invitae), Labcorp
Classification: Uncertain significance for Nemaline myopathy 2. Last evaluated: 2022-04-28. Review status: criteria provided, single submitter. Criteria: Invitae Variant Classification Sherloc (09022015). Collection method: clinical testing. Allele origin: germline.
Comment: Algorithms developed to predict the effect of missense changes on protein structure and function are either unavailable or do not agree on the potential impact of this missense change (SIFT: "Deleterious"; PolyPhen-2: "Not Available"; Align-GVGD: "Class C0"). This variant has not been reported in the literature in individuals affected with NEB-related conditions. This variant is not present in population databases (gnomAD no frequency). This sequence change replaces methionine, which is neutral and non-polar, with valine, which is neutral and non-polar, at codon 7763 of the NEB protein (p.Met7763Val). In summary, the available evidence is currently insufficient to determine the role of this variant in disease. Therefore, it has been classified as a Variant of Uncertain Significance.

NM_001164508.2(NEB):c.23182A>G (p.Met7728Val)

Genes: NEB (nebulin; minus strand), RIF1 (replication timing regulatory factor 1; plus strand). Cytogenetic location: 2q23.3.
Variant type: single nucleotide variant.
Coding change: c.23182A>G on transcript NM_001164508.2 (MANE Select); coding-DNA position 23182, A replaced by G.
Protein change: p.Met7728Val; replaces methionine 7728 with valine.
Molecular consequence: missense variant.
Genome position (GRCh38, 1-based): chr2:151,513,639, T>C on the plus strand (A>G on the coding strand, the complement: NEB is on the minus strand). VCF-style: chr2-151513639-T-C. GRCh37 (hg19) VCF-style: chr2-152370153-T-C.
Other names: c.23182A>G, p.Met7728Val (NM_001164507.2); c.23287A>G, p.Met7763Val (NM_001271208.2); c.18079A>G, p.Met6027Val (NM_004543.5); short protein forms M6027V, M7763V, M7728V.
Identifiers: ClinVar variation 2176244 (VCV002176244.4), dbSNP rs2552076584, ClinGen allele CA348751452.
Genomic context (GRCh38, chr2:151,513,639, plus strand): 5'-CCTGACTGGCAATATCAGTAGCATTCCTGGCCCTCATAAAATCCGGAGTTTCATTGGCCA[T>C]GGCATTCAGGCCTCTTCCTTTGACTTCCAGTTCCAGGTCTCGCTTATATTCTTTCTATAG-3'
Protein context (NP_001157980.2, residues 7718-7738): LEVKGRGLNA[Met7728Val]ANETPDFMRA